The following is an entry in ClinVar:

NM_001849.4(COL6A2):c.2436G>A (p.Val812=)

Gene: COL6A2 (collagen type VI alpha 2 chain; plus strand). Cytogenetic location: 21q22.3.
Variant type: single nucleotide variant.
Coding change: c.2436G>A on transcript NM_001849.4 (MANE Select); coding-DNA position 2436, G replaced by A.
Protein change: p.Val812=; no amino-acid change (valine 812 retained).
Molecular consequence: synonymous variant.
Genome position (GRCh38, 1-based): chr21:46,126,516, G>A. VCF-style: chr21-46126516-G-A. GRCh37 (hg19) VCF-style: chr21-47546430-G-A.
Other names: c.2436G>A, p.Val812= (NM_058174.3, NM_058175.3).
Identifiers: ClinVar variation 340377 (VCV000340377.6), dbSNP rs372745282, ClinGen allele CA10072622.

ClinVar aggregate classification (germline): Benign (1 of 4 stars; one submission).

Conditions:
Collagen 6-related myopathy. Identifiers: MedGen CN117976, MONDO:0100225.

Allele frequency attached by ClinVar (database versions not stated): TOPMed below 0.00001; gnomAD 0.00001; gnomAD exomes 0.00001 and 0.00002; ExAC 0.00002; ESP Exome Variant Server 0.00008.
gnomAD v4.1: 24 of 1,612,838 alleles (0.0015%); highest among the groups gnomAD compares: African/African-American, 0.004%; no homozygotes.

Submission:

Illumina Laboratory Services, Illumina
Classification: Benign for Collagen VI-related myopathy. Last evaluated: 2018-01-13. Review status: criteria provided, single submitter. Criteria: ICSL Variant Classification Criteria 13 December 2019. Collection method: clinical testing. Allele origin: germline.
Comment: This variant was observed in the ICSL laboratory as part of a predisposition screen in an ostensibly healthy population. It had not been previously curated by ICSL or reported in the Human Gene Mutation Database (HGMD: prior to June 1st, 2018), and was therefore a candidate for classification through an automated scoring system. Utilizing variant allele frequency, disease prevalence and penetrance estimates, and inheritance mode, an automated score was calculated to assess if this variant is too frequent to cause the disease. Based on the score and internal cut-off values, a variant classified as benign is not then subjected to further curation. The score for this variant resulted in a classification of benign for this disease.